The following is an entry in ClinVar:

NC_000005.10:g.112707309_112707312delinsCCCA

Gene: APC (APC regulator of Wnt signaling pathway; plus strand). Cytogenetic location: 5q22.2.
Variant type: Indel.
Genome position: GRCh38 VCF-style: chr5-112707309-GGGC-CCCA. GRCh37 (hg19) VCF-style: chr5-112043006-GGGC-CCCA.
Identifiers: ClinVar variation 1494875 (VCV001494875.6), dbSNP rs2149627880, ClinGen allele CA2573138728.

ClinVar aggregate classification (germline): Uncertain significance (1 of 4 stars; one submission).

Conditions:
Familial adenomatous polyposis 1 (FAP1). Also called: FAMILIAL ADENOMATOUS POLYPOSIS 1, ATTENUATED; POLYPOSIS, ADENOMATOUS INTESTINAL. Identifiers: MedGen C2713442, MONDO:0021056, OMIM 175100. Disease mechanism: loss of function.

Submission:

Labcorp Genetics (formerly Invitae), Labcorp
Classification: Uncertain significance for Familial adenomatous polyposis 1. Last evaluated: 2020-12-01. Review status: criteria provided, single submitter. Criteria: Invitae Variant Classification Sherloc (09022015). Collection method: clinical testing. Allele origin: germline.
Comment: Experimental studies and prediction algorithms are not available or were not evaluated, and the functional significance of this variant is currently unknown. This variant has not been reported in the literature in individuals with APC-related conditions. The frequency data for this variant in the population databases is considered unreliable, as metrics indicate insufficient coverage at this position in the ExAC database. This variant occurs in a non-coding region of the APC gene. It does not change the encoded amino acid sequence of the APC protein. In summary, the available evidence is currently insufficient to determine the role of this variant in disease. Therefore, it has been classified as a Variant of Uncertain Significance.